The following is an entry in ClinVar:

ClinVar aggregate classification (germline): Uncertain significance. Review status: criteria provided, multiple submitters, no conflicts (2 of 4 stars). 2 submissions from 2 submitters: Uncertain significance (2). Last evaluated 2022-10-25.

Conditions:
Alstrom syndrome (ALMS). Identifiers: Orphanet 64, MedGen C0268425, MONDO:0008763, OMIM 203800.
Cardiovascular phenotype. Identifiers: MedGen CN230736.

Allele frequency attached by ClinVar (database versions not stated): ExAC 0.00002; gnomAD 0.00002; 1000 Genomes Project 30x 0.00016; 1000 Genomes Project 0.00020.
gnomAD v4.1: 30 of 1,614,152 alleles (0.0019%); highest among the groups gnomAD compares: East Asian, 0.051%; no homozygotes.

Submissions (2):

Labcorp Genetics (formerly Invitae), Labcorp
Classification: Uncertain significance for Alstrom syndrome. Last evaluated: 2022-10-25. Review status: criteria provided, single submitter. Criteria: Invitae Variant Classification Sherloc (09022015). Collection method: clinical testing. Allele origin: germline.
Comment: This sequence change replaces threonine, which is neutral and polar, with isoleucine, which is neutral and non-polar, at codon 3328 of the ALMS1 protein (p.Thr3328Ile). This variant is present in population databases (rs560317562, gnomAD 0.05%). This variant has not been reported in the literature in individuals affected with ALMS1-related conditions. Experimental studies and prediction algorithms are not available or were not evaluated, and the functional significance of this variant is currently unknown. In summary, the available evidence is currently insufficient to determine the role of this variant in disease. Therefore, it has been classified as a Variant of Uncertain Significance.

Ambry Genetics
Classification: Uncertain significance for Cardiovascular phenotype. Last evaluated: 2021-09-24. Review status: criteria provided, single submitter. Criteria: Ambry Variant Classification Scheme 2023. Collection method: clinical testing. Allele origin: germline.

NM_001378454.1(ALMS1):c.9980C>T (p.Thr3327Ile)

Gene: ALMS1 (ALMS1 centrosome and basal body associated protein; plus strand). Cytogenetic location: 2p13.1.
Variant type: single nucleotide variant.
Coding change: c.9980C>T on transcript NM_001378454.1 (MANE Select); coding-DNA position 9980, C replaced by T.
Protein change: p.Thr3327Ile; replaces threonine 3327 with isoleucine.
Molecular consequence: missense variant.
Genome position (GRCh38, 1-based): chr2:73,550,339, C>T. VCF-style: chr2-73550339-C-T. GRCh37 (hg19) VCF-style: chr2-73777466-C-T.
Other names: c.9983C>T, p.Thr3328Ile (NM_015120.4); short protein forms T3328I, T3327I.
Identifiers: ClinVar variation 2149098 (VCV002149098.2), dbSNP rs560317562, ClinGen allele CA1714844.